The following is an entry in ClinVar:

NM_025114.4(CEP290):c.1066-1G>A

Gene: CEP290 (centrosomal protein 290; minus strand). Cytogenetic location: 12q21.32.
Variant type: single nucleotide variant.
Coding change: c.1066-1G>A on transcript NM_025114.4 (MANE Select); the canonical splice acceptor site of the intron before coding-DNA position 1066, G replaced by A.
Molecular consequence: splice acceptor variant.
Genome position (GRCh38, 1-based): chr12:88,125,370, C>T on the plus strand (G>A on the coding strand, the complement: CEP290 is on the minus strand). VCF-style: chr12-88125370-C-T. GRCh37 (hg19) VCF-style: chr12-88519147-C-T.
Identifiers: ClinVar variation 439474 (VCV000439474.28), dbSNP rs965522059, ClinGen allele CA241154824.

ClinVar aggregate classification (germline): Pathogenic. Review status: criteria provided, multiple submitters, no conflicts (2 of 4 stars). 9 submissions from 9 submitters: Pathogenic (9). Last evaluated 2026-04-21.

Conditions:
CEP290-related disorder. Also called: CEP290-related condition; CEP290-related disorders. Identifiers: MedGen CN239314.
Nephronophthisis. Also called: Juvenile Nephronophthisis. Identifiers: Orphanet 655, MedGen C0687120, MONDO:0019005, HP:0000090.
Meckel-Gruber syndrome. Also called: Dysencephalia splachnocystica; DYSENCEPHALIA SPLANCHNOCYSTICA; GRUBER SYNDROME. Identifiers: Orphanet 564, MedGen C0265215, MONDO:0018921.
Joubert syndrome. Also called: JOUBERT-BOLTSHAUSER SYNDROME; Familial aplasia of the vermis. Identifiers: Orphanet 475, MedGen C5979921, MONDO:0018772.
Joubert syndrome 5 (JBTS5). Identifiers: Orphanet 2318, MedGen C1857780, MONDO:0012432, OMIM 610188.
Bardet-Biedl syndrome 14 (BBS14). Identifiers: Orphanet 110, MedGen C2673874, MONDO:0014442, OMIM 615991.
Meckel syndrome, type 4 (MKS4). Also called: MECKEL-GRUBER SYNDROME, TYPE 4. Identifiers: Orphanet 564, MedGen C1970161, MONDO:0012626, OMIM 611134.
Senior-Loken syndrome 6 (SLSN6). Identifiers: Orphanet 3156, MedGen C1857779, MONDO:0012433, OMIM 610189.
Leber congenital amaurosis 10 (LCA10). Identifiers: Orphanet 65, MedGen C1857821, MONDO:0012723, OMIM 611755.
Leber congenital amaurosis (LCA). Also called: Leber's amaurosis. Identifiers: Orphanet 65, MedGen C0339527, MeSH D057130, MONDO:0018998.
Retinal disorder. Also called: Retinopathies; Retinal Diseases; Retinal disorders; Retinopathy. Identifiers: MedGen C0035309, MONDO:0005283, HP:0000488.

Allele frequency attached by ClinVar (database versions not stated): gnomAD exomes 0.00002.
gnomAD v4.1: 20 of 1,270,726 alleles (0.0016%); highest among the groups gnomAD compares: Non-Finnish European, 0.002%; no homozygotes.

Submissions (9):

Genetics Laboratory, Great Ormond Street Hospital NHS Foundation Trust, North Thames Genomic Laboratory Hub
Classification: Pathogenic for Retinal disorders. Last evaluated: 2026-04-21. Review status: criteria provided, single submitter. Criteria: ACGS Best Practice Guidelines for Variant Classification in Rare Disease 2024 v1.2. Collection method: clinical testing. Allele origin: germline. Affected: yes.
Comment: PM2_moderate, PVS1_very-strong, PM3_strong

Natera, Inc.
Classification: Pathogenic for Leber congenital amaurosis. Last evaluated: 2025-12-09. Review status: criteria provided, single submitter. Criteria: Natera Variant Classification Schema (03/2026). Collection method: clinical testing. Allele origin: germline.
Comment: The c.1066-1G>A variant in CEP290 is a canonical splice acceptor site variant predicted to affect pre-mRNA splicing, which may result in an abnormal transcript and altered protein product. This variant is expected to result in nonsense mediated decay, truncation, or a dysfunctional protein product. This variant is rare in the general population with a frequency below the threshold expected for the associated phenotype(s). This variant has been observed in one or more individuals affected with the associated recessive disease, as either homozygous or compound heterozygous with a second variant (PMID: 2115384). Given the available evidence, this variant is classified as Pathogenic.

PreventionGenetics, part of Exact Sciences
Classification: Pathogenic for CEP290-related condition. Last evaluated: 2025-07-24. Review status: criteria provided, single submitter. Criteria: ACMG Guidelines, 2015. Collection method: clinical testing. Allele origin: germline.
Comment: The CEP290 c.1066-1G>A variant is predicted to disrupt the AG splice acceptor site and interfere with normal splicing. This variant has been reported along with a second CEP290 variant in an individual with Joubert syndrome (Helou et al. 2007. PubMed ID: 17617513), an individual with Senior-Løken syndrome (Supplementary Table S5, Chaki et al. 2011. PubMed ID: 21866095), and another individual with Leber congenital amaurosis (Sheck et al. 2018. PubMed ID: 29398085). This variant is reported in 0.0032% of alleles in individuals of European (Non-Finnish) descent in gnomAD. Variants that disrupt the consensus splice acceptor site in CEP290 are expected to be pathogenic. This variant is interpreted as pathogenic.

Women's Health and Genetics/Laboratory Corporation of America, LabCorp
Classification: Pathogenic for CEP290-related disorder. Last evaluated: 2025-03-05. Review status: criteria provided, single submitter. Criteria: LabCorp Variant Classification Summary - May 2015. Collection method: clinical testing. Allele origin: germline.
Comment: Variant summary: CEP290 c.1066-1G>A is located in a canonical splice-site and is predicted to affect mRNA splicing resulting in a significantly altered protein due to either exon skipping, shortening, or inclusion of intronic material. Variants that disrupt the consensus splice site are a relatively common cause of aberrant splicing and loss of CEP290 function. Several computational tools predict a significant impact on normal splicing: Three predict the variant abolishes a canonical 3' acceptor site. However, these predictions have yet to be confirmed by functional studies. The variant allele was found at a frequency of 1.5e-05 in 65770 control chromosomes. c.1066-1G>A has been reported in the literature in individuals affected with CEP290-Related Disorders, including Joubert syndrome and Leber congenital amaurosis (example: Helou_2007, Wiszniewski_2011, Sheck_2018, Lin_2024). These data indicate that the variant is likely to be associated with disease. To our knowledge, no experimental evidence demonstrating an impact on protein function has been reported. The following publications have been ascertained in the context of this evaluation (PMID: 17617513, 38219857, 29398085, 21153841). ClinVar contains an entry for this variant (Variation ID: 439474). Based on the evidence outlined above, the variant was classified as pathogenic.

Labcorp Genetics (formerly Invitae), Labcorp
Classification: Pathogenic for Joubert syndrome; Meckel-Gruber syndrome; Nephronophthisis. Last evaluated: 2024-02-20. Review status: criteria provided, single submitter. Criteria: Invitae Variant Classification Sherloc (09022015). Collection method: clinical testing. Allele origin: germline.
Comment: This sequence change affects an acceptor splice site in intron 12 of the CEP290 gene. It is expected to disrupt RNA splicing. Variants that disrupt the donor or acceptor splice site typically lead to a loss of protein function (PMID: 16199547), and loss-of-function variants in CEP290 are known to be pathogenic (PMID: 16909394, 17345604, 20690115). The frequency data for this variant in the population databases is considered unreliable, as metrics indicate poor data quality at this position in the gnomAD database. Disruption of this splice site has been observed in individual(s) with Joubert syndrome, and Leber congenital amaurosis (PMID: 17617513, 21153841). In at least one individual the data is consistent with being in trans (on the opposite chromosome) from a pathogenic variant. ClinVar contains an entry for this variant (Variation ID: 439474). Algorithms developed to predict the effect of sequence changes on RNA splicing suggest that this variant may disrupt the consensus splice site. For these reasons, this variant has been classified as Pathogenic.

Baylor Genetics
Classification: Pathogenic for Bardet-Biedl syndrome 14. Last evaluated: 2024-01-04. Review status: criteria provided, single submitter. Criteria: ACMG Guidelines, 2015. Collection method: clinical testing. Allele origin: unknown.

Blueprint Genetics
Classification: Pathogenic for CEP290-related disorders. Last evaluated: 2022-08-17. Review status: criteria provided, single submitter. Criteria: ACMG Guidelines, 2015. Collection method: clinical testing. Allele origin: germline. Affected: yes. Observed: 3 variant alleles.

Fulgent Genetics
Classification: Pathogenic for Joubert syndrome 5; Senior-Loken syndrome 6; Meckel syndrome, type 4; Leber congenital amaurosis 10; Bardet-Biedl syndrome 14. Last evaluated: 2021-09-29. Review status: criteria provided, single submitter. Criteria: ACMG Guidelines, 2015. Collection method: clinical testing. Allele origin: unknown.

ARUP Laboratories, Molecular Genetics and Genomics, ARUP Laboratories
Classification: Pathogenic. Last evaluated: 2017-03-08. Review status: criteria provided, single submitter. Criteria: ARUP Molecular Germline Variant Investigation Process. Collection method: clinical testing. Allele origin: germline.

Literature cited by the submitters: PubMed 2115384 (cited by Natera, Inc.); PubMed 21153841 (cited by Women's Health and Genetics/Laboratory Corporation of America, LabCorp and Labcorp Genetics (formerly Invitae), Labcorp); PubMed 38219857 (cited by Women's Health and Genetics/Laboratory Corporation of America, LabCorp); PubMed 29398085 (cited by Women's Health and Genetics/Laboratory Corporation of America, LabCorp); PubMed 17617513 (cited by Women's Health and Genetics/Laboratory Corporation of America, LabCorp and Labcorp Genetics (formerly Invitae), Labcorp); PubMed 16199547 (cited by Labcorp Genetics (formerly Invitae), Labcorp); PubMed 16909394 (cited by Labcorp Genetics (formerly Invitae), Labcorp); PubMed 17345604 (cited by Labcorp Genetics (formerly Invitae), Labcorp); PubMed 20690115 (cited by Labcorp Genetics (formerly Invitae), Labcorp).